The following is an entry in ClinVar:

NM_198253.3(TERT):c.2674C>T (p.Pro892Ser)

Gene: TERT (telomerase reverse transcriptase; minus strand). Cytogenetic location: 5p15.33.
Variant type: single nucleotide variant.
Coding change: c.2674C>T on transcript NM_198253.3 (MANE Select); coding-DNA position 2674, C replaced by T.
Protein change: p.Pro892Ser; replaces proline 892 with serine.
Molecular consequence: missense variant. On other transcripts: intron variant (1).
Genome position (GRCh38, 1-based): chr5:1,264,573, G>A on the plus strand (C>T on the coding strand, the complement: TERT is on the minus strand). VCF-style: chr5-1264573-G-A. GRCh37 (hg19) VCF-style: chr5-1264688-G-A.
Other names: c.2674C>T, p.Pro892Ser (NM_003219.1); c.2654+1891C>T (NM_001193376.3); short protein forms P892S.
Identifiers: ClinVar variation 2085007 (VCV002085007.4), dbSNP rs2478154069, ClinGen allele CA359072390.

ClinVar aggregate classification (germline): Uncertain significance (1 of 4 stars; one submission).

Conditions:
Dyskeratosis congenita, autosomal dominant 2. Identifiers: MedGen C3151443, MONDO:0013521, OMIM 613989.
Idiopathic Pulmonary Fibrosis. Also called: Idiopathic fibrosing alveolitis, chronic form; idiopathic fibrosing alveolitis. Identifiers: Orphanet 2032, MedGen C1800706, MeSH D054990, MONDO:0800504.

gnomAD v4.1: 1 of 1,614,012 alleles (0.000062%); no homozygotes.

Submission:

Labcorp Genetics (formerly Invitae), Labcorp
Classification: Uncertain significance for Dyskeratosis congenita, autosomal dominant 2; Idiopathic Pulmonary Fibrosis. Last evaluated: 2022-07-12. Review status: criteria provided, single submitter. Criteria: Invitae Variant Classification Sherloc (09022015). Collection method: clinical testing. Allele origin: germline.
Comment: In summary, the available evidence is currently insufficient to determine the role of this variant in disease. Therefore, it has been classified as a Variant of Uncertain Significance. Advanced modeling of protein sequence and biophysical properties (such as structural, functional, and spatial information, amino acid conservation, physicochemical variation, residue mobility, and thermodynamic stability) performed at Invitae indicates that this missense variant is expected to disrupt TERT protein function. This variant has not been reported in the literature in individuals affected with TERT-related conditions. This variant is not present in population databases (gnomAD no frequency). This sequence change replaces proline, which is neutral and non-polar, with serine, which is neutral and polar, at codon 892 of the TERT protein (p.Pro892Ser).